The following is an entry in ClinVar:

NM_001111125.3(IQSEC2):c.296del (p.His99fs)

Gene: IQSEC2 (IQ motif and Sec7 domain ArfGEF 2; minus strand). Cytogenetic location: Xp11.22.
Variant type: Deletion.
Coding change: c.296del on transcript NM_001111125.3 (MANE Select); coding-DNA position 296, one base deleted (A; older notation c.296delA).
Protein change: p.His99fs; shifts the reading frame from histidine 99.
Molecular consequence: frameshift variant.
Genome position (GRCh38, 1-based): chrX:53,320,828, T deleted on the plus strand (A on the coding strand, the reverse complement: IQSEC2 is on the minus strand). VCF-style (leftmost placement, unchanged base first): chrX-53320827-GT-G. GRCh37 (hg19) VCF-style: chrX-53350025-GT-G.
Other names: short protein forms H99fs.
Identifiers: ClinVar variation 418255 (VCV000418255.2), dbSNP rs1064793152, ClinGen allele CA16621447.

ClinVar aggregate classification (germline): Pathogenic (1 of 4 stars; one submission).

Submission:

GeneDx
Classification: Pathogenic. Last evaluated: 2017-03-01. Review status: criteria provided, single submitter. Criteria: GeneDx Variant Classification (06012015). Collection method: clinical testing. Allele origin: germline. Affected: yes.
Comment: The c.296delA variant in the IQSEC2 gene has been reported previously in an individual with seizures and developmental delay (Yavarna et al., 2015). The c.296delA variant causes a frameshift starting with codon Histidine 99, changes this amino acid to a Proline residue, and creates a premature Stop codon at position 107 of the new reading frame, denoted p.His99ProfsX107. This variant is predicted to cause loss of normal protein function either through protein truncation or nonsense-mediated mRNA decay. The c.296delA variant is not observed in large population cohorts (Lek et al., 2016; 1000 Genomes Consortium et al., 2015; Exome Variant Server). We interpret c.296delA as a pathogenic variant.